The following is an entry in ClinVar:

NM_024675.4(PALB2):c.2930T>C (p.Leu977Pro)

Gene: PALB2 (partner and localizer of BRCA2; minus strand). Cytogenetic location: 16p12.2.
Variant type: single nucleotide variant.
Coding change: c.2930T>C on transcript NM_024675.4 (MANE Select); coding-DNA position 2930, T replaced by C.
Protein change: p.Leu977Pro; replaces leucine 977 with proline.
Molecular consequence: missense variant.
Genome position (GRCh38, 1-based): chr16:23,623,035, A>G on the plus strand (T>C on the coding strand, the complement: PALB2 is on the minus strand). VCF-style: chr16-23623035-A-G. GRCh37 (hg19) VCF-style: chr16-23634356-A-G.
Other names: short protein forms L977P.
Identifiers: ClinVar variation 402304 (VCV000402304.15), dbSNP rs1060499825, ClinGen allele CA16609590.

ClinVar aggregate classification (germline): Uncertain significance. Review status: criteria provided, multiple submitters, no conflicts (2 of 4 stars). 2 submissions from 2 submitters: Uncertain significance (2). Last evaluated 2025-04-08.

Conditions:
Hereditary cancer-predisposing syndrome. Also called: Neoplastic Syndromes, Hereditary; Hereditary Cancer Syndrome; Tumor predisposition; Hereditary neoplastic syndrome. Identifiers: Orphanet 140162, MedGen C0027672, MeSH D009386, MONDO:0015356.
Familial cancer of breast. Also called: BREAST CANCER, FAMILIAL; Hereditary breast cancer; hereditary breast carcinoma. Identifiers: Orphanet 227535, MedGen C0346153, MONDO:0016419, OMIM 114480. Disease mechanism: loss of function.

Allele frequency attached by ClinVar (database versions not stated): gnomAD exomes below 0.00001.
gnomAD v4.1: 1 of 1,614,120 alleles (0.000062%); highest among the groups gnomAD compares: South Asian, 0.0011%; no homozygotes.

Submissions (2):

Ambry Genetics
Classification: Uncertain significance for Hereditary cancer-predisposing syndrome. Last evaluated: 2025-04-08. Review status: criteria provided, single submitter. Criteria: Ambry Variant Classification Scheme 2023. Collection method: clinical testing. Allele origin: germline.
Comment: The p.L977P variant (also known as c.2930T>C), located in coding exon 9 of the PALB2 gene, results from a T to C substitution at nucleotide position 2930. The leucine at codon 977 is replaced by proline, an amino acid with similar properties. This amino acid position is highly conserved in available vertebrate species. In addition, this alteration is predicted to be deleterious by in silico analysis. Based on the available evidence, the clinical significance of this variant remains unclear.

Labcorp Genetics (formerly Invitae), Labcorp
Classification: Uncertain significance for Familial cancer of breast. Last evaluated: 2017-08-06. Review status: criteria provided, single submitter. Criteria: Invitae Variant Classification Sherloc (09022015). Collection method: clinical testing. Allele origin: germline.
Comment: In summary, the available evidence is currently insufficient to determine the role of this variant in disease. Therefore, it has been classified as a Variant of Uncertain Significance. Algorithms developed to predict the effect of missense changes on protein structure and function (SIFT, PolyPhen-2, Align-GVGD) all suggest that this variant is likely to be disruptive, but these predictions have not been confirmed by published functional studies and their clinical significance is uncertain. This variant has not been reported in the literature in individuals with PALB2-related disease. ClinVar contains an entry for this variant (Variation ID: 402304). This variant is not present in population databases (ExAC no frequency). This sequence change replaces leucine with proline at codon 977 of the PALB2 protein (p.Leu977Pro). The leucine residue is highly conserved and there is a moderate physicochemical difference between leucine and proline.